The following is an entry in ClinVar:

ClinVar aggregate classification (germline): Benign/Likely benign. Review status: criteria provided, multiple submitters, no conflicts (2 of 4 stars). 6 submissions from 6 submitters: Benign (1); Likely benign (4). 1 of the submissions does not count toward it. Last evaluated 2026-06-01.

Conditions:
DVL1-related disorder. Also called: DVL1-related condition.

Allele frequency attached by ClinVar (database versions not stated): gnomAD exomes 0.00119; ExAC 0.00191; ESP Exome Variant Server 0.00346; 1000 Genomes Project 30x 0.00359; gnomAD 0.00367 and 0.00397; 1000 Genomes Project 0.00379; TOPMed 0.00417.
gnomAD v4.1: 1,296 of 1,607,048 alleles (0.081%); highest among the groups gnomAD compares: African/African-American, 1.2%; 10 homozygotes.

Submissions (6):

CeGaT Center for Human Genetics Tuebingen
Classification: Likely benign. Last evaluated: 2026-06-01. Review status: criteria provided, single submitter. Criteria: CeGaT Center For Human Genetics Tuebingen Variant Classification Criteria Version 2. Collection method: clinical testing. Allele origin: germline. Affected: yes. Observed: 1 variant allele.
Comment: DVL1: BP4, BP7, BS1

Labcorp Genetics (formerly Invitae), Labcorp
Classification: Benign. Last evaluated: 2025-12-03. Review status: criteria provided, single submitter. Criteria: Invitae Variant Classification Sherloc (09022015). Collection method: clinical testing. Allele origin: germline.

Blueprint Genetics
Classification: Likely benign. Last evaluated: 2024-11-13. Review status: criteria provided, single submitter. Criteria: ACMG Guidelines, 2015. Collection method: clinical testing. Allele origin: germline.

GeneDx
Classification: Likely benign. Last evaluated: 2021-05-04. Review status: criteria provided, single submitter. Criteria: GeneDx Variant Classification Process June 2021. Collection method: clinical testing. Allele origin: germline. Affected: yes.

Breakthrough Genomics
Classification: Likely benign. Review status: criteria provided, single submitter. Criteria: ACMG Guidelines, 2015. Collection method: not provided. Allele origin: germline. Inheritance: Autosomal dominant inheritance. Affected: yes.

PreventionGenetics, part of Exact Sciences
Classification: Benign for DVL1-related condition. Last evaluated: 2019-08-14. Review status: no assertion criteria provided. Collection method: clinical testing. Allele origin: germline. Not counted in ClinVar's aggregate classification.
Comment: This variant is classified as benign based on ACMG/AMP sequence variant interpretation guidelines (Richards et al. 2015 PMID: 25741868, with internal and published modifications).

NM_001330311.2(DVL1):c.1044C>T (p.Thr348=)

Gene: DVL1 (dishevelled segment polarity protein 1; minus strand). Cytogenetic location: 1p36.33.
Variant type: single nucleotide variant.
Coding change: c.1044C>T on transcript NM_001330311.2 (MANE Select); coding-DNA position 1044, C replaced by T.
Protein change: p.Thr348=; no amino-acid change (threonine 348 retained).
Molecular consequence: synonymous variant.
Genome position (GRCh38, 1-based): chr1:1,339,592, G>A on the plus strand (C>T on the coding strand, the complement: DVL1 is on the minus strand). VCF-style: chr1-1339592-G-A. GRCh37 (hg19) VCF-style: chr1-1274972-G-A.
Other names: c.1044C>T, p.Thr348= (NM_004421.3).
Identifiers: ClinVar variation 716792 (VCV000716792.18), dbSNP rs139346691, ClinGen allele CA520268.